The following is an entry in ClinVar:

ClinVar aggregate classification (germline): Pathogenic/Likely pathogenic. Review status: criteria provided, multiple submitters, no conflicts (2 of 4 stars). 3 submissions from 3 submitters: Pathogenic (2); Likely pathogenic (1). Last evaluated 2021-07-10.

Conditions:
Abnormality of the musculature. Identifiers: MedGen C4021745, HP:0003011.
Autosomal recessive limb-girdle muscular dystrophy type 2G (LGMDR7). Also called: Telethoninopathy; Limb-girdle muscular dystrophy, type 2G; MUSCULAR DYSTROPHY, LIMB-GIRDLE, AUTOSOMAL RECESSIVE 7. Identifiers: Orphanet 34514, MedGen C1866008, MONDO:0011170, OMIM 601954.
Primary familial hypertrophic cardiomyopathy (HCM). Identifiers: Orphanet 99739, MedGen C0949658, MeSH D024741, MONDO:0024573. Inheritance: Various modes of inheritance.
Hypertrophic cardiomyopathy 25 (CMH25). Also called: CARDIOMYOPATHY, FAMILIAL HYPERTROPHIC, 25. Identifiers: MedGen C4225408, MONDO:0011843, OMIM 607487.

Submissions (3):

Kariminejad - Najmabadi Pathology & Genetics Center
Classification: Pathogenic for Abnormality of the musculature. Last evaluated: 2021-07-10. Review status: criteria provided, single submitter. Criteria: ACMG Guidelines, 2015. Collection method: clinical testing. Allele origin: germline. Affected: yes.

Labcorp Genetics (formerly Invitae), Labcorp
Classification: Pathogenic for Hypertrophic cardiomyopathy 25; Primary familial hypertrophic cardiomyopathy. Last evaluated: 2021-05-04. Review status: criteria provided, single submitter. Criteria: Invitae Variant Classification Sherloc (09022015). Collection method: clinical testing. Allele origin: germline.
Comment: This variant is not present in population databases (ExAC no frequency). For these reasons, this variant has been classified as Pathogenic. This variant has not been reported in the literature in individuals with TCAP-related conditions. ClinVar contains an entry for this variant (Variation ID: 522598). This sequence change creates a premature translational stop signal (p.Glu12Glyfs*5) in the TCAP gene. It is expected to result in an absent or disrupted protein product. Loss-of-function variants in TCAP are known to be pathogenic (PMID: 10655062, 21530252, 25055047).

Tehran Medical Genetics Laboratory
Classification: Likely pathogenic for Autosomal recessive limb-girdle muscular dystrophy type 2G. Last evaluated: 2016-09-20. Review status: criteria provided, single submitter. Criteria: ACMG Guidelines, 2015. Collection method: clinical testing. Allele origin: inherited. Inheritance: Autosomal recessive inheritance. Affected: yes. Observed: 1 variant allele, 1 homozygote.

Literature cited by the submitters: PubMed 10655062 (cited by Labcorp Genetics (formerly Invitae), Labcorp); PubMed 21530252 (cited by Labcorp Genetics (formerly Invitae), Labcorp); PubMed 25055047 (cited by Labcorp Genetics (formerly Invitae), Labcorp).

NM_003673.4(TCAP):c.34dup (p.Glu12fs)

Gene: TCAP (titin-cap; plus strand). Cytogenetic location: 17q12.
Variant type: Duplication.
Coding change: c.34dup on transcript NM_003673.4 (MANE Select); coding-DNA position 34, one base duplicated (G; older notation c.34dupG).
Protein change: p.Glu12fs; shifts the reading frame from glutamic acid 12.
Molecular consequence: frameshift variant.
Genome position (GRCh38, 1-based): chr17:39,665,393, G duplicated; the last of 2 consecutive G bases (chr17:39,665,392-39,665,393); duplicating either gives the same sequence. VCF-style (leftmost placement, unchanged base first): chr17-39665391-C-CG. GRCh37 (hg19) VCF-style: chr17-37821644-C-CG.
Other names: c.34dupG (NM_003673.4); short protein forms E12fs.
Identifiers: ClinVar variation 522598 (VCV000522598.30), dbSNP rs1555606959, ClinGen allele CA658798823.